The following is an entry in ClinVar:

NM_024675.4(PALB2):c.2647A>G (p.Lys883Glu)

Gene: PALB2 (partner and localizer of BRCA2; minus strand). Cytogenetic location: 16p12.2.
Variant type: single nucleotide variant.
Coding change: c.2647A>G on transcript NM_024675.4 (MANE Select); coding-DNA position 2647, A replaced by G.
Protein change: p.Lys883Glu; replaces lysine 883 with glutamic acid.
Molecular consequence: missense variant.
Genome position (GRCh38, 1-based): chr16:23,626,337, T>C on the plus strand (A>G on the coding strand, the complement: PALB2 is on the minus strand). VCF-style: chr16-23626337-T-C. GRCh37 (hg19) VCF-style: chr16-23637658-T-C.
Other names: short protein forms K883E.
Identifiers: ClinVar variation 1007192 (VCV001007192.14), dbSNP rs1966842668, ClinGen allele CA395122134.

ClinVar aggregate classification (germline): Uncertain significance. Review status: criteria provided, multiple submitters, no conflicts (2 of 4 stars). 3 submissions from 3 submitters: Uncertain significance (3). Last evaluated 2024-06-13.

Conditions:
Hereditary cancer-predisposing syndrome. Also called: Tumor predisposition; Hereditary neoplastic syndrome; Neoplastic Syndromes, Hereditary; Hereditary Cancer Syndrome. Identifiers: Orphanet 140162, MedGen C0027672, MeSH D009386, MONDO:0015356.
Familial cancer of breast. Also called: BREAST CANCER, FAMILIAL; Hereditary breast cancer; hereditary breast carcinoma. Identifiers: Orphanet 227535, MedGen C0346153, MONDO:0016419, OMIM 114480. Disease mechanism: loss of function.

Allele frequency attached by ClinVar (database versions not stated): gnomAD exomes below 0.00001.
gnomAD v4.1: 3 of 1,614,194 alleles (0.00019%); highest among the groups gnomAD compares: Non-Finnish European, 0.00017%; no homozygotes.

Submissions (3):

Ambry Genetics
Classification: Uncertain significance for Hereditary cancer-predisposing syndrome. Last evaluated: 2024-06-13. Review status: criteria provided, single submitter. Criteria: Ambry Variant Classification Scheme 2023. Collection method: clinical testing. Allele origin: germline.
Comment: The p.K883E variant (also known as c.2647A>G), located in coding exon 7 of the PALB2 gene, results from an A to G substitution at nucleotide position 2647. The lysine at codon 883 is replaced by glutamic acid, an amino acid with similar properties. This amino acid position is well conserved in available vertebrate species. In addition, this alteration is predicted to be tolerated by in silico analysis. Since supporting evidence is limited at this time, the clinical significance of this alteration remains unclear.

Baylor Genetics
Classification: Uncertain significance for Familial cancer of breast. Last evaluated: 2023-07-11. Review status: criteria provided, single submitter. Criteria: ACMG Guidelines, 2015. Collection method: clinical testing. Allele origin: unknown.

Labcorp Genetics (formerly Invitae), Labcorp
Classification: Uncertain significance for Familial cancer of breast. Last evaluated: 2023-06-04. Review status: criteria provided, single submitter. Criteria: Invitae Variant Classification Sherloc (09022015). Collection method: clinical testing. Allele origin: germline.
Comment: In summary, the available evidence is currently insufficient to determine the role of this variant in disease. Therefore, it has been classified as a Variant of Uncertain Significance. Algorithms developed to predict the effect of sequence changes on RNA splicing suggest that this variant may create or strengthen a splice site. Advanced modeling of protein sequence and biophysical properties (such as structural, functional, and spatial information, amino acid conservation, physicochemical variation, residue mobility, and thermodynamic stability) performed at Invitae indicates that this missense variant is expected to disrupt PALB2 protein function. ClinVar contains an entry for this variant (Variation ID: 1007192). This variant has not been reported in the literature in individuals affected with PALB2-related conditions. This variant is not present in population databases (gnomAD no frequency). This sequence change replaces lysine, which is basic and polar, with glutamic acid, which is acidic and polar, at codon 883 of the PALB2 protein (p.Lys883Glu).